The following is an entry in ClinVar:

NM_001163435.3(TBCK):c.658+4A>G

Gene: TBCK (TBC1 domain containing kinase; minus strand). Cytogenetic location: 4q24.
Variant type: single nucleotide variant.
Coding change: c.658+4A>G on transcript NM_001163435.3 (MANE Select); 4 bases into the intron after coding-DNA position 658, A replaced by G.
Molecular consequence: intron variant.
Genome position (GRCh38, 1-based): chr4:106,250,414, T>C on the plus strand (A>G on the coding strand, the complement: TBCK is on the minus strand). VCF-style: chr4-106250414-T-C. GRCh37 (hg19) VCF-style: chr4-107171571-T-C.
Other names: c.658+4A>G (NM_001163436.4); c.469+4A>G (NM_033115.5); c.541+4A>G (NM_001163437.3); c.142+4A>G (NM_001290768.2).
Identifiers: ClinVar variation 1033754 (VCV001033754.4), dbSNP rs745752734, ClinGen allele CA3035364.

ClinVar aggregate classification (germline): Uncertain significance. Review status: criteria provided, multiple submitters, no conflicts (2 of 4 stars). 2 submissions from 2 submitters: Uncertain significance (2). Last evaluated 2021-09-03.

Conditions:
Hypotonia, infantile, with psychomotor retardation and characteristic facies 3 (IHPRF3). Also called: TBCK-Related Neurodevelopmental Disorder. Identifiers: Orphanet 488632, MedGen C5567480, MONDO:0014823, OMIM 616900.

Allele frequency attached by ClinVar (database versions not stated): gnomAD exomes below 0.00001 and 0.00002; ExAC 0.00001; TOPMed 0.00001.
gnomAD v4.1: 3 of 1,551,876 alleles (0.00019%); highest among the groups gnomAD compares: Admixed American, 0.0053%; no homozygotes.

Submissions (2):

Labcorp Genetics (formerly Invitae), Labcorp
Classification: Uncertain significance. Last evaluated: 2021-09-03. Review status: criteria provided, single submitter. Criteria: Invitae Variant Classification Sherloc (09022015). Collection method: clinical testing. Allele origin: germline.
Comment: This sequence change falls in intron 7 of the TBCK gene. It does not directly change the encoded amino acid sequence of the TBCK protein. It affects a nucleotide within the consensus splice site of the intron. This variant is present in population databases (rs745752734, ExAC 0.009%). This variant has not been reported in the literature in individuals affected with TBCK-related conditions. ClinVar contains an entry for this variant (Variation ID: 1033754). Variants that disrupt the consensus splice site are a relatively common cause of aberrant splicing (PMID: 17576681, 9536098). Algorithms developed to predict the effect of sequence changes on RNA splicing suggest that this variant may disrupt the consensus splice site. In summary, the available evidence is currently insufficient to determine the role of this variant in disease. Therefore, it has been classified as a Variant of Uncertain Significance.

Baylor Genetics
Classification: Uncertain significance for Hypotonia, infantile, with psychomotor retardation and characteristic facies 3. Last evaluated: 2018-11-15. Review status: criteria provided, single submitter. Criteria: ACMG Guidelines, 2015. Collection method: clinical testing. Allele origin: maternal. Affected: yes.
Comment: This variant was determined to be of uncertain significance according to ACMG Guidelines, 2015 [PMID:25741868].

Literature cited by the submitters: PubMed 17576681 (cited by Labcorp Genetics (formerly Invitae), Labcorp); PubMed 9536098 (cited by Labcorp Genetics (formerly Invitae), Labcorp).